The following is an entry in ClinVar:

ClinVar aggregate classification (germline): Benign/Likely benign. Review status: criteria provided, multiple submitters, no conflicts (2 of 4 stars). 3 submissions from 3 submitters: Benign (1); Likely benign (2). Last evaluated 2026-02-01.

Allele frequency attached by ClinVar (database versions not stated): gnomAD 0.00089 and 0.00091; ExAC 0.00285.
gnomAD v4.1: 956 of 1,453,884 alleles (0.066%); highest among the groups gnomAD compares: Middle Eastern, 0.32%; 2 homozygotes.

Submissions (3):

Labcorp Genetics (formerly Invitae), Labcorp
Classification: Benign. Last evaluated: 2026-02-01. Review status: criteria provided, single submitter. Criteria: Invitae Variant Classification Sherloc (09022015). Collection method: clinical testing. Allele origin: germline.

Blueprint Genetics
Classification: Likely benign. Last evaluated: 2024-11-26. Review status: criteria provided, single submitter. Criteria: ACMG Guidelines, 2015. Collection method: clinical testing. Allele origin: germline.

CeGaT Center for Human Genetics Tuebingen
Classification: Likely benign. Last evaluated: 2023-06-01. Review status: criteria provided, single submitter. Criteria: CeGaT Center For Human Genetics Tuebingen Variant Classification Criteria Version 2. Collection method: clinical testing. Allele origin: germline. Affected: yes. Observed: 1 variant allele.
Comment: PRDM13: BS1

NM_021620.4(PRDM13):c.994G>A (p.Gly332Arg)

Genes: PRDM13 (PR/SET domain 13; plus strand), LOC129996881 (ATAC-STARR-seq lymphoblastoid silent region 17422; plus strand). Cytogenetic location: 6q16.2.
Variant type: single nucleotide variant.
Coding change: c.994G>A on transcript NM_021620.4 (MANE Select); coding-DNA position 994, G replaced by A.
Protein change: p.Gly332Arg; replaces glycine 332 with arginine.
Molecular consequence: missense variant.
Genome position (GRCh38, 1-based): chr6:99,613,629, G>A. VCF-style: chr6-99613629-G-A. GRCh37 (hg19) VCF-style: chr6-100061505-G-A.
Other names: short protein forms G332R.
Identifiers: ClinVar variation 1170211 (VCV001170211.34), dbSNP rs772185121, ClinGen allele CA3936309.